The following is an entry in ClinVar:

NM_006005.3(WFS1):c.1216G>A (p.Ala406Thr)

Gene: WFS1 (wolframin ER transmembrane glycoprotein; plus strand). Cytogenetic location: 4p16.1.
Variant type: single nucleotide variant.
Coding change: c.1216G>A on transcript NM_006005.3 (MANE Select); coding-DNA position 1216, G replaced by A.
Protein change: p.Ala406Thr; replaces alanine 406 with threonine.
Molecular consequence: missense variant.
Genome position (GRCh38, 1-based): chr4:6,301,011, G>A. VCF-style: chr4-6301011-G-A. GRCh37 (hg19) VCF-style: chr4-6302738-G-A.
Other names: c.1216G>A, p.Ala406Thr (NM_001145853.1); short protein forms A406T.
Identifiers: ClinVar variation 1698065 (VCV001698065.5), dbSNP rs942866942, ClinGen allele CA91796236.
Genomic context (GRCh38, chr4:6,301,011, plus strand): 5'-CCCAACCTGGATGTGGAGCAGGCCGAGGTCAACTTCGGCTGGAACCACCTGGAGCCCTAT[G>A]CCCATTTCCTGCTCTCTGTCTTCTTCGTCATCTTCTCCTTCCCCATCGCCAGCAAGGACT-3'
Protein context (NP_005996.2, residues 396-416): NFGWNHLEPY[Ala406Thr]HFLLSVFFVI

ClinVar aggregate classification (germline): Uncertain significance. Review status: criteria provided, multiple submitters, no conflicts (2 of 4 stars). 3 submissions from 3 submitters: Uncertain significance (3). Last evaluated 2024-01-30.

Conditions:
Autosomal dominant nonsyndromic hearing loss 6 (LFSNHL). Also called: DEAFNESS, AUTOSOMAL DOMINANT 14; DEAFNESS, AUTOSOMAL DOMINANT 38; DEAFNESS, AUTOSOMAL DOMINANT 6; Autosomal dominant nonsyndromic deafness 6. Identifiers: Orphanet 90635, MedGen C1833021, MONDO:0010963, OMIM 600965.
Type 2 diabetes mellitus. Also called: Type II diabetes mellitus. Identifiers: MedGen C0011860, MeSH D003924, MONDO:0005148, OMIM 125853, HP:0005978.
Wolfram syndrome 1 (WFS1). Identifiers: Orphanet 3463, MedGen C4551693, MONDO:0009101, OMIM 222300.
Wolfram-like syndrome. Also called: HEARING LOSS, PROGRESSIVE, WITH OPTIC ATROPHY AND/OR IMPAIRED GLUCOSE REGULATION. Identifiers: Orphanet 411590, MedGen C3280358, MONDO:0013673, OMIM 614296.
Cataract 41 (CTRCT41). Also called: CATARACT 41, CONGENITAL NUCLEAR TYPE. Identifiers: Orphanet 91492, Orphanet 98991, Orphanet 98992, Orphanet 98995, MedGen C3805412, MONDO:0007287, OMIM 116400.

Allele frequency attached by ClinVar (database versions not stated): gnomAD exomes below 0.00001; gnomAD 0.00003.
gnomAD v4.1: 9 of 1,613,880 alleles (0.00056%); highest among the groups gnomAD compares: African/African-American, 0.011%; no homozygotes.

Submissions (3):

Fulgent Genetics
Classification: Uncertain significance for Cataract 41; Type 2 diabetes mellitus; Wolfram syndrome 1; Autosomal dominant nonsyndromic hearing loss 6; Wolfram-like syndrome. Last evaluated: 2024-01-30. Review status: criteria provided, single submitter. Criteria: ACMG Guidelines, 2015. Collection method: clinical testing. Allele origin: germline.

GeneDx
Classification: Uncertain significance. Last evaluated: 2022-07-19. Review status: criteria provided, single submitter. Criteria: GeneDx Variant Classification Process June 2021. Collection method: clinical testing. Allele origin: germline. Affected: yes.
Comment: Not observed at a significant frequency in large population cohorts (gnomAD); In silico analysis supports that this missense variant does not alter protein structure/function; Has not been previously published as pathogenic or benign to our knowledge

Blueprint Genetics
Classification: Uncertain significance. Last evaluated: 2019-12-19. Review status: criteria provided, single submitter. Criteria: ACMG Guidelines, 2015. Collection method: clinical testing. Allele origin: germline.